The following is an entry in ClinVar:

ClinVar aggregate classification (germline): Conflicting classifications of pathogenicity. Review status: criteria provided, conflicting classifications (1 of 4 stars). 4 submissions from 4 submitters: Uncertain significance (3); Likely benign (1). Last evaluated 2025-06-14.

Conditions:
Fanconi anemia (FA). Also called: Fanconi's anemia. Identifiers: Orphanet 84, MedGen C0015625, MeSH D005199, MONDO:0019391.
Inborn genetic diseases. Identifiers: MedGen C0950123, MeSH D030342.

Allele frequency attached by ClinVar (database versions not stated): gnomAD exomes 0.00002; ExAC 0.00003; 1000 Genomes Project 0.00020; gnomAD 0.00003; TOPMed 0.00003; 1000 Genomes Project 30x 0.00016.
gnomAD v4.1: 12 of 1,613,546 alleles (0.00074%); highest among the groups gnomAD compares: African/African-American, 0.013%; no homozygotes.

Submissions (4):

Labcorp Genetics (formerly Invitae), Labcorp
Classification: Uncertain significance for Fanconi anemia. Last evaluated: 2025-06-14. Review status: criteria provided, single submitter. Criteria: Invitae Variant Classification Sherloc (09022015). Collection method: clinical testing. Allele origin: germline.
Comment: This sequence change replaces proline, which is neutral and non-polar, with serine, which is neutral and polar, at codon 1078 of the FANCM protein (p.Pro1078Ser). This variant is present in population databases (rs189723011, gnomAD 0.03%). This variant has not been reported in the literature in individuals affected with FANCM-related conditions. ClinVar contains an entry for this variant (Variation ID: 1019537). An algorithm developed to predict the effect of missense changes on protein structure and function outputs the following: PolyPhen-2: "Benign". The serine amino acid residue is found in multiple mammalian species, which suggests that this missense change does not adversely affect protein function. In summary, the available evidence is currently insufficient to determine the role of this variant in disease. Therefore, it has been classified as a Variant of Uncertain Significance.

Ambry Genetics
Classification: Likely benign for Inborn genetic diseases. Last evaluated: 2024-11-20. Review status: criteria provided, single submitter. Criteria: Ambry Variant Classification Scheme 2023. Collection method: clinical testing. Allele origin: germline.

GeneDx
Classification: Uncertain significance. Last evaluated: 2023-10-27. Review status: criteria provided, single submitter. Criteria: GeneDx Variant Classification Process June 2021. Collection method: clinical testing. Allele origin: germline. Affected: yes.
Comment: In silico analysis supports that this missense variant does not alter protein structure/function; Has not been previously published as pathogenic or benign to our knowledge

Quest Diagnostics Nichols Institute San Juan Capistrano
Classification: Uncertain significance. Last evaluated: 2023-04-13. Review status: criteria provided, single submitter. Criteria: Quest Diagnostics criteria. Collection method: clinical testing. Allele origin: unknown.
Comment: To the best of our knowledge, the variant has not been reported in the published literature. The frequency of this variant in the general population, 0.00024 (6/24648 chromosomes), is uninformative in assessment of its pathogenicity. Analysis of this variant using bioinformatics tools for the prediction of the effect of amino acid changes on protein structure and function yielded predictions that this variant is benign. Based on the available information, we are unable to determine the clinical significance of this variant.

NM_020937.4(FANCM):c.3232C>T (p.Pro1078Ser)

Gene: FANCM (FA complementation group M; plus strand). Cytogenetic location: 14q21.2.
Variant type: single nucleotide variant.
Coding change: c.3232C>T on transcript NM_020937.4 (MANE Select); coding-DNA position 3232, C replaced by T.
Protein change: p.Pro1078Ser; replaces proline 1078 with serine.
Molecular consequence: missense variant.
Genome position (GRCh38, 1-based): chr14:45,175,986, C>T. VCF-style: chr14-45175986-C-T. GRCh37 (hg19) VCF-style: chr14-45645189-C-T.
Other names: c.3232C>T (NM_020937.3); c.3154C>T, p.Pro1052Ser (NM_001308133.2); short protein forms P1052S, P1078S.
Identifiers: ClinVar variation 1019537 (VCV001019537.14), dbSNP rs189723011, ClinGen allele CA7169482.